The following is an entry in ClinVar:

ClinVar aggregate classification (germline): Benign/Likely benign. Review status: criteria provided, multiple submitters, no conflicts (2 of 4 stars). 7 submissions from 7 submitters: Benign (2); Likely benign (5). Last evaluated 2025-11-12.

Allele frequency attached by ClinVar (database versions not stated): gnomAD exomes 0.00010 and 0.00019; ExAC 0.00031; 1000 Genomes Project 0.00040; 1000 Genomes Project 30x 0.00047; gnomAD 0.00082 and 0.00085; TOPMed 0.00090; ESP Exome Variant Server 0.00116.
gnomAD v4.1: 267 of 1,599,882 alleles (0.017%); highest among the groups gnomAD compares: African/African-American, 0.34%; 1 homozygote.

Submissions (7):

Labcorp Genetics (formerly Invitae), Labcorp
Classification: Benign. Last evaluated: 2025-11-12. Review status: criteria provided, single submitter. Criteria: Invitae Variant Classification Sherloc (09022015). Collection method: clinical testing. Allele origin: germline.

Ambry Genetics
Classification: Likely benign. Last evaluated: 2024-11-21. Review status: criteria provided, single submitter. Criteria: Ambry Variant Classification Scheme 2023. Collection method: clinical testing. Allele origin: germline.

Blueprint Genetics
Classification: Likely benign. Last evaluated: 2024-11-05. Review status: criteria provided, single submitter. Criteria: ACMG Guidelines, 2015. Collection method: clinical testing. Allele origin: germline.

CeGaT Center for Human Genetics Tuebingen
Classification: Benign. Last evaluated: 2024-11-01. Review status: criteria provided, single submitter. Criteria: CeGaT Center For Human Genetics Tuebingen Variant Classification Criteria Version 2. Collection method: clinical testing. Allele origin: germline. Affected: yes. Observed: 1 variant allele.
Comment: SRP72: BP4, BS1, BS2

Genetic Services Laboratory, University of Chicago
Classification: Likely benign. Last evaluated: 2022-01-03. Review status: criteria provided, single submitter. Criteria: ACMG Guidelines, 2015. Collection method: clinical testing. Allele origin: germline. Affected: no.

GeneDx
Classification: Likely benign. Last evaluated: 2019-08-23. Review status: criteria provided, single submitter. Criteria: GeneDx Variant Classification Process June 2021. Collection method: clinical testing. Allele origin: germline. Affected: yes.

Breakthrough Genomics
Classification: Likely benign. Review status: criteria provided, single submitter. Criteria: ACMG Guidelines, 2015. Collection method: not provided. Allele origin: germline. Inheritance: Autosomal dominant inheritance. Affected: yes.

NM_006947.4(SRP72):c.1170T>C (p.Ser390=)

Gene: SRP72 (signal recognition particle 72; plus strand). Cytogenetic location: 4q12.
Variant type: single nucleotide variant.
Coding change: c.1170T>C on transcript NM_006947.4 (MANE Select); coding-DNA position 1170, T replaced by C.
Protein change: p.Ser390=; no amino-acid change (serine 390 retained).
Molecular consequence: synonymous variant. On other transcripts: non-coding transcript variant (1).
Genome position (GRCh38, 1-based): chr4:56,487,959, T>C. VCF-style: chr4-56487959-T-C. GRCh37 (hg19) VCF-style: chr4-57354125-T-C.
Other names: c.987T>C, p.Ser329= (NM_001267722.2).
Identifiers: ClinVar variation 1207343 (VCV001207343.31), dbSNP rs143262707, ClinGen allele CA2931301.